The following is an entry in ClinVar:

GRCh38/hg38 1q21.1-21.2(chr1:146987841-148436984)x1

Genes: ACP6 (acid phosphatase 6, lysophosphatidic; minus strand), BCL9 (BCL9 transcription coactivator; plus strand), CHD1L (chromodomain helicase DNA binding protein 1 like; plus strand), FMO5 (flavin containing dimethylaniline monoxygenase 5; minus strand), GJA5 (gap junction protein alpha 5; minus strand) and 53 more. Cytogenetic location: 1q21.1-21.2.
Variant type: copy number loss.
Change: copy number 1 (one copy instead of two) of chr1:146,987,841-148,436,984 (1.45 Mb, GRCh38 coordinates, 1-based), cytogenetic band 1q21.1-21.2.
Identifiers: ClinVar variation 160792 (VCV000160792.1).

ClinVar aggregate classification (germline): Pathogenic. Review status: criteria provided, multiple submitters, no conflicts (2 of 4 stars). 3 submissions from 3 submitters: Pathogenic (3). Last evaluated 2011-08-12.

Submissions (3):

ISCA site 14
Classification: Pathogenic. Last evaluated: 2011-08-12. Review status: criteria provided, single submitter. Criteria: Kaminsky et al. (Genet Med. 2011). Collection method: clinical testing. Allele origin: paternal, unknown. Affected: yes. Observed: 2 variant alleles.
Comment: Copy number variation identified through the course of routine clinical cytogenomic testing in postnatal populations. Clinical assertions have been curated as described in Kaminsky et al. 2011.

ISCA site 17
Classification: Pathogenic. Last evaluated: 2011-08-12. Review status: criteria provided, single submitter. Criteria: Kaminsky et al. (Genet Med. 2011). Collection method: clinical testing. Allele origin: unknown. Affected: yes. Observed: 2 variant alleles.
Comment: the same text as in the submission from ISCA site 14 above.

ISCA site 4
Classification: Pathogenic. Last evaluated: 2011-08-12. Review status: criteria provided, single submitter. Criteria: Kaminsky et al. (Genet Med. 2011). Collection method: clinical testing. Allele origin: unknown. Affected: yes. Observed: 3 variant alleles. Clinical features observed: Seizure (HP:0001250), Abnormality of head and neck (HP:0000152), Abnormality of the mouth (HP:0000153).
Comment: the same text as in the submission from ISCA site 14 above.